The following is an entry in ClinVar:

ClinVar aggregate classification (germline): Uncertain significance (1 of 4 stars; one submission).

Conditions:
Familial thoracic aortic aneurysm and aortic dissection (TAAD). Also called: Thoracic aortic aneurysms and dissections. Identifiers: Orphanet 91387, MedGen C4707243, MONDO:0019625.

Allele frequency attached by ClinVar (database versions not stated): gnomAD exomes below 0.00001.

Submission:

Ambry Genetics
Classification: Uncertain significance for Familial thoracic aortic aneurysm and aortic dissection. Last evaluated: 2023-09-08. Review status: criteria provided, single submitter. Criteria: Ambry Variant Classification Scheme 2023. Collection method: clinical testing. Allele origin: germline.
Comment: The p.S201F variant (also known as c.602C>T), located in coding exon 4 of the NOTCH1 gene, results from a C to T substitution at nucleotide position 602. The serine at codon 201 is replaced by phenylalanine, an amino acid with highly dissimilar properties. This amino acid position is conserved. In addition, the in silico prediction for this alteration is inconclusive. Since supporting evidence is limited at this time, the clinical significance of this alteration remains unclear.

NM_017617.5(NOTCH1):c.602C>T (p.Ser201Phe)

Gene: NOTCH1 (notch receptor 1; minus strand). Cytogenetic location: 9q34.3.
Variant type: single nucleotide variant.
Coding change: c.602C>T on transcript NM_017617.5 (MANE Select); coding-DNA position 602, C replaced by T.
Protein change: p.Ser201Phe; replaces serine 201 with phenylalanine.
Molecular consequence: missense variant.
Genome position (GRCh38, 1-based): chr9:136,522,990, G>A on the plus strand (C>T on the coding strand, the complement: NOTCH1 is on the minus strand). VCF-style: chr9-136522990-G-A. GRCh37 (hg19) VCF-style: chr9-139417442-G-A.
Other names: short protein forms S201F.
Identifiers: ClinVar variation 2586761 (VCV002586761.2), dbSNP rs2540468232, ClinGen allele CA375569904.
Genomic context (GRCh38, chr9:136,522,990, plus strand): 5'-GGCACGTAGGGCCGCTCGCAGTTGGGGCCAGTGTGGGTGGCGCGGCAGACGCAGCGGTAG[G>A]AGCCGACCTCGTTGTGGCAGGTGCCTCCGTGGCGGCAAAGCCCGGGCTTCTGGCCACACT-3'
Protein context (NP_060087.3, residues 191-211): HGGTCHNEVG[Ser201Phe]YRCVCRATHT